The following is an entry in ClinVar:

ClinVar aggregate classification (germline): Likely benign. Review status: criteria provided, multiple submitters, no conflicts (2 of 4 stars). 6 submissions from 6 submitters: Likely benign (6). Last evaluated 2026-01-23.

Conditions:
Hereditary nonpolyposis colorectal neoplasms. Identifiers: MedGen C0009405, MeSH D003123.
Hereditary cancer-predisposing syndrome. Also called: Hereditary Cancer Syndrome; Hereditary neoplastic syndrome; Neoplastic Syndromes, Hereditary; Tumor predisposition. Identifiers: Orphanet 140162, MedGen C0027672, MeSH D009386, MONDO:0015356.
Lynch syndrome 4 (LYNCH4). Also called: Colorectal cancer, hereditary nonpolyposis, type 4; Hereditary non-polyposis colorectal cancer, type 4. Identifiers: Orphanet 144, MedGen C1838333, MONDO:0013699, OMIM 614337. Disease mechanism: loss of function.
Lynch syndrome. Identifiers: Orphanet 144, MedGen C4552100, MONDO:0005835. Disease mechanism: loss of function.

Allele frequency attached by ClinVar (database versions not stated): gnomAD exomes 0.00002 and 0.00004; ExAC 0.00005; gnomAD 0.00007; TOPMed 0.00007.
gnomAD v4.1: 21 of 1,552,378 alleles (0.0014%); highest among the groups gnomAD compares: Admixed American, 0.035%; 1 homozygote.

Submissions (6):

Labcorp Genetics (formerly Invitae), Labcorp
Classification: Likely benign for Hereditary nonpolyposis colorectal neoplasms. Last evaluated: 2026-01-23. Review status: criteria provided, single submitter. Criteria: Invitae Variant Classification Sherloc (09022015). Collection method: clinical testing. Allele origin: germline.

Myriad Genetics, Inc.
Classification: Likely benign for Lynch syndrome 4. Last evaluated: 2025-02-03. Review status: criteria provided, single submitter. Criteria: Myriad Autosomal Dominant, Autosomal Recessive and X-Linked Classification Criteria (2023). Collection method: clinical testing. Allele origin: unknown.
Comment: This variant is considered likely benign. This variant is intronic and is not expected to impact mRNA splicing.

Department of Pathology and Laboratory Medicine, Sinai Health System
Classification: Likely benign for Lynch syndrome. Last evaluated: 2023-07-10. Review status: criteria provided, single submitter. Criteria: ACMG Guidelines, 2015. Collection method: clinical testing. Allele origin: germline. Affected: yes.

Color Diagnostics, LLC DBA Color Health
Classification: Likely benign for Hereditary cancer-predisposing syndrome. Last evaluated: 2022-10-31. Review status: criteria provided, single submitter. Criteria: ACMG Guidelines, 2015. Collection method: clinical testing. Allele origin: germline.

Sema4
Classification: Likely benign for Hereditary cancer-predisposing syndrome. Last evaluated: 2022-02-13. Review status: criteria provided, single submitter. Criteria: Sema4 Curation Guidelines. Collection method: curation. Allele origin: germline.

GeneDx
Classification: Likely benign. Last evaluated: 2016-12-15. Review status: criteria provided, single submitter. Criteria: GeneDx Variant Classification (06012015). Collection method: clinical testing. Allele origin: germline. Affected: yes.
Comment: This variant is considered likely benign or benign based on one or more of the following criteria: it is a conservative change, it occurs at a poorly conserved position in the protein, it is predicted to be benign by multiple in silico algorithms, and/or has population frequency not consistent with disease.

NM_000535.7(PMS2):c.2175-13T>C

Gene: PMS2 (PMS1 homolog 2, mismatch repair system component; minus strand). Cytogenetic location: 7p22.1.
Variant type: single nucleotide variant.
Coding change: c.2175-13T>C on transcript NM_000535.7 (MANE Select); 13 bases into the intron before coding-DNA position 2175, T replaced by C.
Molecular consequence: intron variant.
Genome position (GRCh38, 1-based): chr7:5,978,709, A>G on the plus strand (T>C on the coding strand, the complement: PMS2 is on the minus strand). VCF-style: chr7-5978709-A-G. GRCh37 (hg19) VCF-style: chr7-6018340-A-G.
Other names: c.1857-13T>C (NM_001322008.2, NM_001322007.2); c.1614-13T>C (NM_001322010.2); c.1770-13T>C (NM_001322004.2, NM_001322003.2, NM_001322009.2 and 1 more transcripts); c.1602-13T>C (NM_001322013.2); c.1242-13T>C (NM_001322012.2, NM_001322011.2); c.1866-13T>C (NM_001322015.2); c.2019-13T>C (NM_001322006.2); c.2175-13T>C (NM_001322014.2).
Identifiers: ClinVar variation 386011 (VCV000386011.13), dbSNP rs748722013, ClinGen allele CA046959.